The following is an entry in ClinVar:

ClinVar aggregate classification (germline): Uncertain significance. Review status: criteria provided, multiple submitters, no conflicts (2 of 4 stars). 2 submissions from 2 submitters: Uncertain significance (2). Last evaluated 2024-06-17.

Conditions:
Inborn genetic diseases. Identifiers: MedGen C0950123, MeSH D030342.

gnomAD v4.1: 73 of 1,610,368 alleles (0.0045%); highest among the groups gnomAD compares: Non-Finnish European, 0.001%; 2 homozygotes.

Submissions (2):

Ambry Genetics
Classification: Uncertain significance for Inborn genetic diseases. Last evaluated: 2024-06-17. Review status: criteria provided, single submitter. Criteria: Ambry Variant Classification Scheme 2023. Collection method: clinical testing. Allele origin: germline.

GeneDx
Classification: Uncertain significance. Last evaluated: 2023-10-15. Review status: criteria provided, single submitter. Criteria: GeneDx Variant Classification Process June 2021. Collection method: clinical testing. Allele origin: germline. Affected: yes.
Comment: In silico analysis supports that this missense variant does not alter protein structure/function; Has not been previously published as pathogenic or benign to our knowledge

NM_198060.4(NRAP):c.2788G>A (p.Val930Met)

Gene: NRAP (nebulin related anchoring protein; minus strand). Cytogenetic location: 10q25.3.
Variant type: single nucleotide variant.
Coding change: c.2788G>A on transcript NM_198060.4 (MANE Select); coding-DNA position 2788, G replaced by A.
Protein change: p.Val930Met; replaces valine 930 with methionine.
Molecular consequence: missense variant.
Genome position (GRCh38, 1-based): chr10:113,620,690, C>T on the plus strand (G>A on the coding strand, the complement: NRAP is on the minus strand). VCF-style: chr10-113620690-C-T. GRCh37 (hg19) VCF-style: chr10-115380449-C-T.
Other names: c.2788G>A, p.Val930Met (NM_001261463.2); c.2680G>A, p.Val894Met (NM_001322945.2); c.2683G>A, p.Val895Met (NM_006175.5); c.2788G>A (NM_001261463.1); short protein forms V895M, V930M, V894M.
Identifiers: ClinVar variation 3300985 (VCV003300985.2).